The following is an entry in ClinVar:

NM_001130438.3(SPTAN1):c.1572+143A>G

Gene: SPTAN1 (spectrin alpha, non-erythrocytic 1; plus strand). Cytogenetic location: 9q34.11.
Variant type: single nucleotide variant.
Coding change: c.1572+143A>G on transcript NM_001130438.3 (MANE Select); 143 bases into the intron after coding-DNA position 1572, A replaced by G.
Molecular consequence: intron variant.
Genome position (GRCh38, 1-based): chr9:128,582,035, A>G. VCF-style: chr9-128582035-A-G. GRCh37 (hg19) VCF-style: chr9-131344314-A-G.
Other names: c.1572+143A>G (NM_001363759.2, NM_003127.4, NM_001363765.2 and 1 more transcripts).
Identifiers: ClinVar variation 677452 (VCV000677452.1), dbSNP rs114952624, ClinGen allele CA200378503.
Genomic context (GRCh38, chr9:128,582,035, plus strand): 5'-TTGATGAAAGATTCATATGCAGAGTACTCCTGTGGGTGCTTAAACTTTCACAAGGATGAC[A>G]TGCTATCTCGTTGAAGACATAATACAACTTTATGGAAAAATGATTTACTTAATGGAAACC-3'

ClinVar aggregate classification (germline): Likely benign (1 of 4 stars; one submission).

Allele frequency attached by ClinVar (database versions not stated): gnomAD exomes 0.00082; 1000 Genomes Project 0.00619; 1000 Genomes Project 30x 0.00640; gnomAD 0.00641 and 0.00695; TOPMed 0.00737.
gnomAD v4.1: 1,453 of 711,966 alleles (0.2%); highest among the groups gnomAD compares: African/African-American, 2.2%; 20 homozygotes.

Submission:

GeneDx
Classification: Likely benign. Last evaluated: 2018-06-14. Review status: criteria provided, single submitter. Criteria: GeneDx Variant Classification (06012015). Collection method: clinical testing. Allele origin: germline. Affected: yes.
Comment: This variant is considered likely benign or benign based on one or more of the following criteria: it is a conservative change, it occurs at a poorly conserved position in the protein, it is predicted to be benign by multiple in silico algorithms, and/or has population frequency not consistent with disease.